The following is an entry in ClinVar:

ClinVar aggregate classification (germline): Uncertain significance (1 of 4 stars; one submission).

Allele frequency attached by ClinVar (database versions not stated): gnomAD 0.00001; TOPMed 0.00001.
gnomAD v4.1: 1 of 1,613,722 alleles (0.000062%); highest among the groups gnomAD compares: Non-Finnish European, 0.000085%; no homozygotes.

Submission:

Labcorp Genetics (formerly Invitae), Labcorp
Classification: Uncertain significance. Last evaluated: 2022-04-18. Review status: criteria provided, single submitter. Criteria: Invitae Variant Classification Sherloc (09022015). Collection method: clinical testing. Allele origin: germline.
Comment: In summary, the available evidence is currently insufficient to determine the role of this variant in disease. Therefore, it has been classified as a Variant of Uncertain Significance. Algorithms developed to predict the effect of missense changes on protein structure and function are either unavailable or do not agree on the potential impact of this missense change (SIFT: "Deleterious"; PolyPhen-2: "Probably Damaging"; Align-GVGD: "Class C15"). This variant has not been reported in the literature in individuals affected with FREM1-related conditions. This variant is not present in population databases (gnomAD no frequency). This sequence change replaces cysteine, which is neutral and slightly polar, with phenylalanine, which is neutral and non-polar, at codon 901 of the FREM1 protein (p.Cys901Phe).

NM_001379081.2(FREM1):c.2702G>T (p.Cys901Phe)

Genes: FREM1 (FRAS1 related extracellular matrix 1; minus strand), LOC126860582 (P300/CBP strongly-dependent group 1 enhancer GRCh37_chr9:14812530-14813729; plus strand). Cytogenetic location: 9p22.3.
Variant type: single nucleotide variant.
Coding change: c.2702G>T on transcript NM_001379081.2 (MANE Select); coding-DNA position 2702, G replaced by T.
Protein change: p.Cys901Phe; replaces cysteine 901 with phenylalanine.
Molecular consequence: missense variant. On other transcripts: non-coding transcript variant (2).
Genome position (GRCh38, 1-based): chr9:14,813,003, C>A on the plus strand (G>T on the coding strand, the complement: FREM1 is on the minus strand). VCF-style: chr9-14813003-C-A. GRCh37 (hg19) VCF-style: chr9-14813001-C-A.
Other names: c.2702G>T, p.Cys901Phe (NM_144966.7); short protein forms C901F.
Identifiers: ClinVar variation 1969639 (VCV001969639.5), dbSNP rs1347276192, ClinGen allele CA372953785.